The following is an entry in ClinVar:

ClinVar aggregate classification (germline): Conflicting classifications of pathogenicity. Review status: criteria provided, conflicting classifications (1 of 4 stars). 2 submissions from 2 submitters: Uncertain significance (1); Benign (1). Last evaluated 2025-04-01.

Conditions:
Cornelia de Lange syndrome 3 (CDLS3). Also called: SMC3-Related Cornelia de Lange Syndrome; CORNELIA DE LANGE SYNDROME 3 WITH OR WITHOUT MIDLINE BRAIN DEFECTS. Identifiers: Orphanet 199, MedGen C1853099, MONDO:0012555, OMIM 610759.

Submissions (2):

Labcorp Genetics (formerly Invitae), Labcorp
Classification: Benign for Cornelia de Lange syndrome 3. Last evaluated: 2025-04-01. Review status: criteria provided, single submitter. Criteria: Invitae Variant Classification Sherloc (09022015). Collection method: clinical testing. Allele origin: germline.

Juno Genomics, Hangzhou Juno Genomics, Inc
Classification: Uncertain significance for Cornelia de Lange syndrome 3. Review status: criteria provided, single submitter. Criteria: ACMG Guidelines, 2015. Collection method: clinical testing. Allele origin: germline.
Comment: Absent from controls (or at extremely low frequency if recessive) in Genome Aggregation Database.;Multiple lines of computational evidence suggest no impact on gene or gene product.

NM_005445.4(SMC3):c.2645-8dup

Gene: SMC3 (structural maintenance of chromosomes 3; plus strand). Cytogenetic location: 10q25.2.
Variant type: Duplication.
Coding change: c.2645-8dup on transcript NM_005445.4 (MANE Select); 8 bases into the intron before coding-DNA position 2645, one base duplicated (C; older notation c.2645-8dupC).
Molecular consequence: intron variant.
Genome position (GRCh38, 1-based): chr10:110,601,629, C duplicated; the last of 6 consecutive C bases (chr10:110,601,624-110,601,629); duplicating any one gives the same sequence. VCF-style (leftmost placement, unchanged base first): chr10-110601623-T-TC. GRCh37 (hg19) VCF-style: chr10-112361381-T-TC.
Identifiers: ClinVar variation 4755328 (VCV004755328.3).